The following is an entry in ClinVar:

NM_002241.5(KCNJ10):c.5C>T (p.Thr2Met)

Gene: KCNJ10 (potassium inwardly rectifying channel subfamily J member 10; minus strand). Cytogenetic location: 1q23.2.
Variant type: single nucleotide variant.
Coding change: c.5C>T on transcript NM_002241.5 (MANE Select); coding-DNA position 5, C replaced by T.
Protein change: p.Thr2Met; replaces threonine 2 with methionine.
Molecular consequence: missense variant.
Genome position (GRCh38, 1-based): chr1:160,042,528, G>A on the plus strand (C>T on the coding strand, the complement: KCNJ10 is on the minus strand). VCF-style: chr1-160042528-G-A. GRCh37 (hg19) VCF-style: chr1-160012318-G-A.
Other names: short protein forms T2M.
Identifiers: ClinVar variation 4811834 (VCV004811834.1).

ClinVar aggregate classification (germline): Uncertain significance (1 of 4 stars; one submission).

Conditions:
EAST syndrome (SESAMES). Also called: SEIZURES, SENSORINEURAL DEAFNESS, ATAXIA, IMPAIRED INTELLECTUAL DEVELOPMENT, AND ELECTROLYTE IMBALANCE. Identifiers: Orphanet 199343, MedGen C2748572, MONDO:0013005, OMIM 612780.

gnomAD v4.1: 9 of 1,613,712 alleles (0.00056%); highest among the groups gnomAD compares: East Asian, 0.0022%; no homozygotes.

Submission:

Labcorp Genetics (formerly Invitae), Labcorp
Classification: Uncertain significance for EAST syndrome. Last evaluated: 2025-02-17. Review status: criteria provided, single submitter. Criteria: Invitae Variant Classification Sherloc (09022015). Collection method: clinical testing. Allele origin: germline.
Comment: This sequence change replaces threonine, which is neutral and polar, with methionine, which is neutral and non-polar, at codon 2 of the KCNJ10 protein (p.Thr2Met). This variant is present in population databases (no rsID available, gnomAD 0.007%). This variant has not been reported in the literature in individuals affected with KCNJ10-related conditions. Invitae Evidence Modeling of protein sequence and biophysical properties (such as structural, functional, and spatial information, amino acid conservation, physicochemical variation, residue mobility, and thermodynamic stability) indicates that this missense variant is not expected to disrupt KCNJ10 protein function with a negative predictive value of 95%. In summary, the available evidence is currently insufficient to determine the role of this variant in disease. Therefore, it has been classified as a Variant of Uncertain Significance.